The following is an entry in ClinVar:

ClinVar aggregate classification (germline): Uncertain significance. Review status: criteria provided, multiple submitters, no conflicts (2 of 4 stars). 4 submissions from 4 submitters: Uncertain significance (4). Last evaluated 2025-02-07.

Conditions:
Inborn genetic diseases. Identifiers: MedGen C0950123, MeSH D030342.

Allele frequency attached by ClinVar (database versions not stated): ExAC 0.00002; gnomAD exomes 0.00002 and 0.00007; gnomAD 0.00003 and 0.00004; TOPMed 0.00004; ESP Exome Variant Server 0.00015.

Submissions (4):

GeneDx
Classification: Uncertain significance. Last evaluated: 2025-02-07. Review status: criteria provided, single submitter. Criteria: GeneDx Variant Classification Process June 2021. Collection method: clinical testing. Allele origin: germline. Affected: yes.
Comment: Not observed at significant frequency in large population cohorts (gnomAD); In silico analysis supports that this missense variant has a deleterious effect on protein structure/function; Has not been previously published as pathogenic or benign to our knowledge; This variant is associated with the following publications: (PMID: 28404951, 30464253)

Revvity Omics, Revvity
Classification: Uncertain significance. Last evaluated: 2024-01-25. Review status: criteria provided, single submitter. Criteria: ACMG Guidelines, 2015. Collection method: clinical testing. Allele origin: germline.

Ambry Genetics
Classification: Uncertain significance for Inborn genetic diseases. Last evaluated: 2022-12-27. Review status: criteria provided, single submitter. Criteria: Ambry Variant Classification Scheme 2023. Collection method: clinical testing. Allele origin: germline.

Labcorp Genetics (formerly Invitae), Labcorp
Classification: Uncertain significance. Last evaluated: 2018-10-17. Review status: criteria provided, single submitter. Criteria: Invitae Variant Classification Sherloc (09022015). Collection method: clinical testing. Allele origin: germline.
Comment: In summary, the available evidence is currently insufficient to determine the role of this variant in disease. Therefore, it has been classified as a Variant of Uncertain Significance. Algorithms developed to predict the effect of missense changes on protein structure and function (SIFT, PolyPhen-2, Align-GVGD) all suggest that this variant is likely to be disruptive, but these predictions have not been confirmed by published functional studies and their clinical significance is uncertain. This finding is consistent with autosomal recessive inheritance, and suggests that this variant contributes to disease. This variant is present in population databases (rs141721636, ExAC 0.01%). This sequence change replaces arginine with glycine at codon 175 of the MRPS22 protein (p.Arg175Gly). The arginine residue is highly conserved and there is a moderate physicochemical difference between arginine and glycine.

NM_020191.4(MRPS22):c.523A>G (p.Arg175Gly)

Gene: MRPS22 (mitochondrial ribosomal protein S22; plus strand). Cytogenetic location: 3q23.
Variant type: single nucleotide variant.
Coding change: c.523A>G on transcript NM_020191.4 (MANE Select); coding-DNA position 523, A replaced by G.
Protein change: p.Arg175Gly; replaces arginine 175 with glycine.
Molecular consequence: missense variant.
Genome position (GRCh38, 1-based): chr3:139,350,197, A>G. VCF-style: chr3-139350197-A-G. GRCh37 (hg19) VCF-style: chr3-139069039-A-G.
Other names: c.400A>G, p.Arg134Gly (NM_001363857.1); c.520A>G, p.Arg174Gly (NM_001363893.1); short protein forms R134G, R174G, R175G.
Identifiers: ClinVar variation 643994 (VCV000643994.13), dbSNP rs141721636, ClinGen allele CA2640747.